The following is an entry in ClinVar:

ClinVar aggregate classification (germline): Uncertain significance (1 of 4 stars; one submission).

Conditions:
Aortic aneurysm, familial thoracic 8 (AAT8). Identifiers: MedGen C3809513, MONDO:0014187, OMIM 615436.

Submission:

Labcorp Genetics (formerly Invitae), Labcorp
Classification: Uncertain significance for Aortic aneurysm, familial thoracic 8. Last evaluated: 2025-04-29. Review status: criteria provided, single submitter. Criteria: Invitae Variant Classification Sherloc (09022015). Collection method: clinical testing. Allele origin: germline.
Comment: This sequence change replaces leucine, which is neutral and non-polar, with arginine, which is basic and polar, at codon 391 of the PRKG1 protein (p.Leu391Arg). This variant is not present in population databases (gnomAD no frequency). This variant has not been reported in the literature in individuals affected with PRKG1-related conditions. An algorithm developed to predict the effect of missense changes on protein structure and function (PolyPhen-2) suggests that this variant is likely to be disruptive. In summary, the available evidence is currently insufficient to determine the role of this variant in disease. Therefore, it has been classified as a Variant of Uncertain Significance.

NM_006258.4(PRKG1):c.1172T>G (p.Leu391Arg)

Gene: PRKG1 (protein kinase cGMP-dependent 1; plus strand). Cytogenetic location: 10q21.1.
Variant type: single nucleotide variant.
Coding change: c.1172T>G on transcript NM_006258.4 (MANE Select); coding-DNA position 1172, T replaced by G.
Protein change: p.Leu391Arg; replaces leucine 391 with arginine.
Molecular consequence: missense variant. On other transcripts: 5 prime UTR variant (1).
Genome position (GRCh38, 1-based): chr10:52,251,665, T>G. VCF-style: chr10-52251665-T-G. GRCh37 (hg19) VCF-style: chr10-54011425-T-G.
Other names: c.1127T>G, p.Leu376Arg (NM_001098512.3); c.-38T>G (NM_001374781.1); short protein forms L376R, L391R.
Identifiers: ClinVar variation 4718604 (VCV004718604.1).